The following is an entry in ClinVar:

NM_001370298.3(FGD4):c.*4652T>C

Gene: FGD4 (FYVE, RhoGEF and PH domain containing 4; plus strand). Cytogenetic location: 12p11.21.
Variant type: single nucleotide variant.
Coding change: c.*4652T>C on transcript NM_001370298.3 (MANE Select); 4652 bases downstream of the stop codon, T replaced by C.
Molecular consequence: 3 prime UTR variant.
Genome position (GRCh38, 1-based): chr12:32,645,185, T>C. VCF-style: chr12-32645185-T-C. GRCh37 (hg19) VCF-style: chr12-32798119-T-C.
Other names: c.*4652T>C (NM_001304481.2, NM_001304484.2, NM_001330373.2 and 5 more transcripts); c.*560T>C (NM_001384126.1, NM_001384127.1, NM_001384128.1).
Identifiers: ClinVar variation 308364 (VCV000308364.5), dbSNP rs16920125, ClinGen allele CA10641902.

ClinVar aggregate classification (germline): Benign (1 of 4 stars; one submission).

Conditions:
Charcot-Marie-Tooth disease type 4H (CMT4H). Also called: CHARCOT-MARIE-TOOTH DISEASE, AUTOSOMAL RECESSIVE, TYPE 4H; CHARCOT-MARIE-TOOTH DISEASE, DEMYELINATING, AUTOSOMAL RECESSIVE, TYPE 4H; CHARCOT-MARIE-TOOTH NEUROPATHY, TYPE 4H; CHARCOT-MARIE-TOOTH DISEASE, DEMYELINATING, TYPE 4H. Identifiers: Orphanet 99954, MedGen C1836336, MONDO:0012250, OMIM 609311.

Allele frequency attached by ClinVar (database versions not stated): gnomAD 0.02543 and 0.02707; TOPMed 0.02860; 1000 Genomes Project 0.02895; 1000 Genomes Project 30x 0.03326.

Submission:

Illumina Laboratory Services, Illumina
Classification: Benign for Charcot-Marie-Tooth disease type 4H. Last evaluated: 2018-01-13. Review status: criteria provided, single submitter. Criteria: ICSL Variant Classification Criteria 13 December 2019. Collection method: clinical testing. Allele origin: germline.
Comment: This variant was observed in the ICSL laboratory as part of a predisposition screen in an ostensibly healthy population. It had not been previously curated by ICSL or reported in the Human Gene Mutation Database (HGMD: prior to June 1st, 2018), and was therefore a candidate for classification through an automated scoring system. Utilizing variant allele frequency, disease prevalence and penetrance estimates, and inheritance mode, an automated score was calculated to assess if this variant is too frequent to cause the disease. Based on the score and internal cut-off values, a variant classified as benign is not then subjected to further curation. The score for this variant resulted in a classification of benign for this disease.